The following is an entry in ClinVar:

NM_000522.5(HOXA13):c.381CGC[7] (p.Ala133_Ser134insAla)

Genes: HOXA13 (homeobox A13; minus strand), LOC107126288 (NUP98-HOXA13 recombination region; plus strand). Cytogenetic location: 7p15.2.
Variant type: Microsatellite.
Coding change: c.381CGC[7] on transcript NM_000522.5 (MANE Select); seven copies in a row of the 3-base unit CGC starting at c.381; the reference has six copies in a row; one copy, 3 bases duplicated.
Protein change: p.Ala133_Ser134insAla.
Molecular consequence: inframe insertion.
Genome position (GRCh38, 1-based): chr7:27,199,680-27,199,682, GCG duplicated on the plus strand (CGC on the coding strand, the reverse complement: HOXA13 is on the minus strand); duplicating any 3 consecutive bases within chr7:27,199,680-27,199,699 gives the same sequence; the position shown is the placement nearest the transcript's 3' end. VCF-style (leftmost placement, unchanged base first): chr7-27199679-C-CGCG. GRCh37 (hg19) VCF-style: chr7-27239298-C-CGCG.
Identifiers: ClinVar variation 4982836 (VCV004982836.1).

ClinVar aggregate classification (germline): Likely benign (1 of 4 stars; one submission).

Conditions:
HOXA13-related disorder. Also called: HOXA13-related condition.

Submission:

PreventionGenetics, part of Exact Sciences
Classification: Likely benign for HOXA13-related condition. Last evaluated: 2026-04-27. Review status: criteria provided, single submitter. Criteria: ACMG Guidelines, 2015. Collection method: clinical testing. Allele origin: germline.
Comment: This variant is classified as likely benign based on ACMG/AMP sequence variant interpretation guidelines (Richards et al. 2015 PMID: 25741868, with internal and published modifications).